The following is an entry in ClinVar:

NM_001377.3(DYNC2H1):c.12766-245A>T

Gene: DYNC2H1 (dynein cytoplasmic 2 heavy chain 1; plus strand). Cytogenetic location: 11q22.3.
Variant type: single nucleotide variant.
Coding change: c.12766-245A>T on transcript NM_001377.3 (MANE Select); 245 bases into the intron before coding-DNA position 12766, A replaced by T.
Molecular consequence: intron variant.
Genome position (GRCh38, 1-based): chr11:103,478,850, A>T. VCF-style: chr11-103478850-A-T. GRCh37 (hg19) VCF-style: chr11-103349578-A-T.
Other names: c.12787-245A>T (NM_001080463.2).
Identifiers: ClinVar variation 667819 (VCV000667819.1), dbSNP rs12420501, ClinGen allele CA13469144.
Genomic context (GRCh38, chr11:103,478,850, plus strand): 5'-CTACTGTGTGATAATACATGGTTCTATTTTATTTATAGAGATATATATGTAAATATTTAT[A>T]GGTGAAATTTTGTAATTGTAAGGTGCTGTTCAAAATACTCCAATGTTTGGGGCTAGGGAG-3'

ClinVar aggregate classification (germline): Benign (1 of 4 stars; one submission).

Allele frequency attached by ClinVar (database versions not stated): gnomAD 0.15990 and 0.16428; TOPMed 0.17078; 1000 Genomes Project 30x 0.18488; 1000 Genomes Project 0.18690.
gnomAD v4.1: 24,843 of 151,994 alleles (16%); highest among the groups gnomAD compares: Admixed American, 25%; 2,200 homozygotes.

Submission:

GeneDx
Classification: Benign. Last evaluated: 2018-06-17. Review status: criteria provided, single submitter. Criteria: GeneDx Variant Classification (06012015). Collection method: clinical testing. Allele origin: germline. Affected: yes.
Comment: This variant is considered likely benign or benign based on one or more of the following criteria: it is a conservative change, it occurs at a poorly conserved position in the protein, it is predicted to be benign by multiple in silico algorithms, and/or has population frequency not consistent with disease.